The following is an entry in ClinVar:

NM_005186.4(CAPN1):c.221G>A (p.Gly74Asp)

Gene: CAPN1 (calpain 1; plus strand). Cytogenetic location: 11q13.1.
Variant type: single nucleotide variant.
Coding change: c.221G>A on transcript NM_005186.4 (MANE Select); coding-DNA position 221, G replaced by A.
Protein change: p.Gly74Asp; replaces glycine 74 with aspartic acid.
Molecular consequence: missense variant. On other transcripts: non-coding transcript variant (1).
Genome position (GRCh38, 1-based): chr11:65,182,922, G>A. VCF-style: chr11-65182922-G-A. GRCh37 (hg19) VCF-style: chr11-64950393-G-A.
Other names: c.221G>A, p.Gly74Asp (NM_001198868.2, NM_001198869.2); c.221G>A (NM_001198868.1); short protein forms G74D.
Identifiers: ClinVar variation 1510947 (VCV001510947.8), dbSNP rs201318945, ClinGen allele CA6092976.

ClinVar aggregate classification (germline): Conflicting classifications of pathogenicity. Review status: criteria provided, conflicting classifications (1 of 4 stars). 6 submissions from 6 submitters: Likely pathogenic (1); Uncertain significance (5). Last evaluated 2026-01-19.

Conditions:
CAPN1-related disorder. Also called: CAPN1-related condition.
Autosomal recessive spastic paraplegia type 76. Identifiers: Orphanet 488594, MedGen C5567483, MONDO:0014827, OMIM 616907.

Allele frequency attached by ClinVar (database versions not stated): gnomAD 0.00026 and 0.00031; gnomAD exomes 0.00033; TOPMed 0.00037; ExAC 0.00040; ESP Exome Variant Server 0.00057.
gnomAD v4.1: 532 of 1,612,292 alleles (0.033%); highest among the groups gnomAD compares: Middle Eastern, 0.3%; no homozygotes.

Submissions (6):

Labcorp Genetics (formerly Invitae), Labcorp
Classification: Uncertain significance. Last evaluated: 2026-01-19. Review status: criteria provided, single submitter. Criteria: Invitae Variant Classification Sherloc (09022015). Collection method: clinical testing. Allele origin: germline.
Comment: This sequence change replaces glycine, which is neutral and non-polar, with aspartic acid, which is acidic and polar, at codon 74 of the CAPN1 protein (p.Gly74Asp). This variant is present in population databases (rs201318945, gnomAD 0.07%). This missense change has been observed in individual(s) with spastic paraplegia (PMID: 28566166). ClinVar contains an entry for this variant (Variation ID: 1510947). An algorithm developed to predict the effect of missense changes on protein structure and function (PolyPhen-2) suggests that this variant is likely to be disruptive. In summary, the available evidence is currently insufficient to determine the role of this variant in disease. Therefore, it has been classified as a Variant of Uncertain Significance.

Blueprint Genetics
Classification: Likely pathogenic for CAPN1-related disorders. Last evaluated: 2024-11-26. Review status: criteria provided, single submitter. Criteria: ACMG Guidelines, 2015. Collection method: clinical testing. Allele origin: germline. Affected: yes. Observed: 5 variant alleles.

Clinical Genetics Laboratory, Skane University Hospital Lund
Classification: Uncertain significance. Last evaluated: 2023-10-04. Review status: criteria provided, single submitter. Criteria: ACMG Guidelines, 2015. Collection method: clinical testing. Allele origin: germline. Affected: yes.

Baylor Genetics
Classification: Uncertain significance for Autosomal recessive spastic paraplegia type 76. Last evaluated: 2022-10-27. Review status: criteria provided, single submitter. Criteria: ACMG Guidelines, 2015. Collection method: clinical testing. Allele origin: unknown.

Fulgent Genetics
Classification: Uncertain significance for Autosomal recessive spastic paraplegia type 76. Last evaluated: 2021-07-22. Review status: criteria provided, single submitter. Criteria: ACMG Guidelines, 2015. Collection method: clinical testing. Allele origin: unknown.

Victorian Clinical Genetics Services, Murdoch Childrens Research Institute
Classification: Uncertain significance for Autosomal recessive spastic paraplegia type 76. Last evaluated: 2021-05-06. Review status: criteria provided, single submitter. Criteria: ACMG Guidelines, 2015. Collection method: clinical testing. Allele origin: germline. Inheritance: Autosomal recessive inheritance.
Comment: Based on the classification scheme VCGS_Germline_v1.3.4, this variant is classified as VUS-3A. Following criteria are met: 0102 - Loss of function is a known mechanism of disease in this gene and is associated with spastic paraplegia 76 (MIM#616907). (I) 0106 - This gene is associated with autosomal recessive disease. (I) 0200 - Variant is predicted to result in a missense amino acid change from glycine to aspartic acid. (I) 0252 - This variant is homozygous. (I) 0304 - Variant is present in gnomAD (v2) <0.01 for a recessive condition (89 heterozygotes, 0 homozygotes). (SP) 0502 - Missense variant with conflicting in silico predictions and uninformative conservation. (I) 0600 - Variant is located in the annotated peptidase C2 domain (NCBI, PDB). (I) 0705 - No comparable missense variants have previous evidence for pathogenicity. (I) 0803 - This variant has limited previous evidence of pathogenicity in an unrelated individual. The variant has previously been reported as likely pathogenic in one compound heterozygous individual with hereditary spastic paraplegia, however the variant was in cis with another missense that was also considered to be likely pathogenic (LOVD, PMID: 28566166). (SP) 0905 - No published segregation evidence has been identified for this variant. (I) 1007 - No published functional evidence has been identified for this variant. (I) Legend: (SP) - Supporting pathogenic, (I) - Information, (SB) - Supporting benign

Literature cited by the submitters: PubMed 28566166 (cited by Labcorp Genetics (formerly Invitae), Labcorp and Victorian Clinical Genetics Services, Murdoch Childrens Research Institute).